The following is an entry in ClinVar:

NM_000553.6(WRN):c.2638C>T (p.Leu880Phe)

Gene: WRN (WRN RecQ like helicase; plus strand). Cytogenetic location: 8p12.
Variant type: single nucleotide variant.
Coding change: c.2638C>T on transcript NM_000553.6 (MANE Select); coding-DNA position 2638, C replaced by T.
Protein change: p.Leu880Phe; replaces leucine 880 with phenylalanine.
Molecular consequence: missense variant.
Genome position (GRCh38, 1-based): chr8:31,124,529, C>T. VCF-style: chr8-31124529-C-T. GRCh37 (hg19) VCF-style: chr8-30982045-C-T.
Other names: short protein forms L880F.
Identifiers: ClinVar variation 946129 (VCV000946129.7), dbSNP rs1235836800, ClinGen allele CA370916663.

ClinVar aggregate classification (germline): Uncertain significance. Review status: criteria provided, multiple submitters, no conflicts (2 of 4 stars). 2 submissions from 2 submitters: Uncertain significance (2). Last evaluated 2025-05-16.

Conditions:
Werner syndrome (WRN). Identifiers: Orphanet 902, MedGen C0043119, MONDO:0010196, OMIM 277700.
Inborn genetic diseases. Identifiers: MedGen C0950123, MeSH D030342.

Allele frequency attached by ClinVar (database versions not stated): gnomAD exomes below 0.00001 and 0.00001; TOPMed 0.00002.
gnomAD v4.1: 3 of 1,611,808 alleles (0.00019%); highest among the groups gnomAD compares: Non-Finnish European, 0.00017%; no homozygotes.

Submissions (2):

Ambry Genetics
Classification: Uncertain significance for Inborn genetic diseases. Last evaluated: 2025-05-16. Review status: criteria provided, single submitter. Criteria: Ambry Variant Classification Scheme 2023. Collection method: clinical testing. Allele origin: germline.

Labcorp Genetics (formerly Invitae), Labcorp
Classification: Uncertain significance for Werner syndrome. Last evaluated: 2023-11-07. Review status: criteria provided, single submitter. Criteria: Invitae Variant Classification Sherloc (09022015). Collection method: clinical testing. Allele origin: germline.
Comment: This sequence change replaces leucine, which is neutral and non-polar, with phenylalanine, which is neutral and non-polar, at codon 880 of the WRN protein (p.Leu880Phe). This variant is present in population databases (no rsID available, gnomAD 0.002%). This variant has not been reported in the literature in individuals affected with WRN-related conditions. ClinVar contains an entry for this variant (Variation ID: 946129). Algorithms developed to predict the effect of missense changes on protein structure and function output the following: SIFT: "Not Available"; PolyPhen-2: "Benign"; Align-GVGD: "Not Available". The phenylalanine amino acid residue is found in multiple mammalian species, which suggests that this missense change does not adversely affect protein function. In summary, the available evidence is currently insufficient to determine the role of this variant in disease. Therefore, it has been classified as a Variant of Uncertain Significance.